The following is an entry in ClinVar:

ClinVar aggregate classification (germline): Likely benign (1 of 4 stars; one submission).

Allele frequency attached by ClinVar (database versions not stated): gnomAD 0.00001.
gnomAD v4.1: 22 of 1,613,886 alleles (0.0014%); highest among the groups gnomAD compares: Middle Eastern, 0.016%; no homozygotes.

Submission:

CeGaT Center for Human Genetics Tuebingen
Classification: Likely benign. Last evaluated: 2022-03-01. Review status: criteria provided, single submitter. Criteria: CeGaT Center For Human Genetics Tuebingen Variant Classification Criteria Version 2. Collection method: clinical testing. Allele origin: germline. Affected: yes. Observed: 1 variant allele.
Comment: TIE1: BP4, BP7

NM_005424.5(TIE1):c.2031C>T (p.Tyr677=)

Gene: TIE1 (tyrosine kinase with immunoglobulin like and EGF like domains 1; plus strand). Cytogenetic location: 1p34.2.
Variant type: single nucleotide variant.
Coding change: c.2031C>T on transcript NM_005424.5 (MANE Select); coding-DNA position 2031, C replaced by T.
Protein change: p.Tyr677=; no amino-acid change (tyrosine 677 retained).
Molecular consequence: synonymous variant.
Genome position (GRCh38, 1-based): chr1:43,313,238, C>T. VCF-style: chr1-43313238-C-T. GRCh37 (hg19) VCF-style: chr1-43778909-C-T.
Other names: c.1896C>T, p.Tyr632= (NM_001253357.2).
Identifiers: ClinVar variation 2638744 (VCV002638744.24), dbSNP rs1179743788, ClinGen allele CA417546166.